The following is an entry in ClinVar:

NM_001394062.1(MACF1):c.14839G>A (p.Ala4947Thr)

Genes: MACF1 (microtubule actin crosslinking factor 1; plus strand), LOC114803468 (MACF1 eExon liver enhancer; plus strand). Cytogenetic location: 1p34.3.
Variant type: single nucleotide variant.
Coding change: c.14839G>A on transcript NM_001394062.1 (MANE Select); coding-DNA position 14839, G replaced by A.
Protein change: p.Ala4947Thr; replaces alanine 4947 with threonine.
Molecular consequence: missense variant.
Genome position (GRCh38, 1-based): chr1:39,387,681, G>A. VCF-style: chr1-39387681-G-A. GRCh37 (hg19) VCF-style: chr1-39853353-G-A.
Other names: c.8653G>A, p.Ala2885Thr (NM_012090.5); short protein forms A4947T, A2885T.
Identifiers: ClinVar variation 4994598 (VCV004994598.1).

ClinVar aggregate classification (germline): Uncertain significance (1 of 4 stars; one submission).

Conditions:
MACF1-related disorder. Also called: MACF1-related condition.

Submission:

PreventionGenetics, part of Exact Sciences
Classification: Uncertain significance for MACF1-related condition. Last evaluated: 2026-03-24. Review status: criteria provided, single submitter. Criteria: ACMG Guidelines, 2015. Collection method: clinical testing. Allele origin: germline.
Comment: The MACF1 c.8653G>A variant is predicted to result in the amino acid substitution p.Ala2885Thr. To our knowledge, this variant has not been reported in the literature or in a large population database (gnomAD), indicating this variant is rare. At this time, the clinical significance of this variant is uncertain due to the absence of conclusive functional and genetic evidence.